The following is an entry in ClinVar:

NM_000038.6(APC):c.2735T>C (p.Leu912Ser)

Gene: APC (APC regulator of Wnt signaling pathway; plus strand). Cytogenetic location: 5q22.2.
Variant type: single nucleotide variant.
Coding change: c.2735T>C on transcript NM_000038.6 (MANE Select); coding-DNA position 2735, T replaced by C.
Protein change: p.Leu912Ser; replaces leucine 912 with serine.
Molecular consequence: missense variant. On other transcripts: non-coding transcript variant (2).
Genome position (GRCh38, 1-based): chr5:112,838,329, T>C. VCF-style: chr5-112838329-T-C. GRCh37 (hg19) VCF-style: chr5-112174026-T-C.
Other names: c.2735T>C, p.Leu912Ser (NM_001127510.3, NM_001354895.2, NM_001407450.1); c.2681T>C, p.Leu894Ser (NM_001127511.3); c.2789T>C, p.Leu930Ser (NM_001354896.2, NM_001407447.1, NM_001407448.1 and 1 more transcripts); c.2765T>C, p.Leu922Ser (NM_001354897.2); c.2660T>C, p.Leu887Ser (NM_001354898.2); c.2651T>C, p.Leu884Ser (NM_001354899.2); c.2612T>C, p.Leu871Ser (NM_001354900.2); c.2558T>C, p.Leu853Ser (NM_001354901.2, NM_001407453.1); and 12 more; short protein forms L629S, L752S, L853S, L871S, L887S, L902S, L821S, L829S.
Identifiers: ClinVar variation 2763027 (VCV002763027.4), dbSNP rs2149876241, ClinGen allele CA16027295.

ClinVar aggregate classification (germline): Uncertain significance. Review status: criteria provided, multiple submitters, no conflicts (2 of 4 stars). 2 submissions from 2 submitters: Uncertain significance (2). Last evaluated 2023-11-14.

Conditions:
Familial adenomatous polyposis 1 (FAP1). Also called: POLYPOSIS, ADENOMATOUS INTESTINAL; FAMILIAL ADENOMATOUS POLYPOSIS 1, ATTENUATED. Identifiers: MedGen C2713442, MONDO:0021056, OMIM 175100. Disease mechanism: loss of function.
Hereditary cancer-predisposing syndrome. Also called: Hereditary neoplastic syndrome; Neoplastic Syndromes, Hereditary; Hereditary Cancer Syndrome; Tumor predisposition. Identifiers: Orphanet 140162, MedGen C0027672, MeSH D009386, MONDO:0015356.

Submissions (2):

Ambry Genetics
Classification: Uncertain significance for Hereditary cancer-predisposing syndrome. Last evaluated: 2023-11-14. Review status: criteria provided, single submitter. Criteria: Ambry Variant Classification Scheme 2023. Collection method: clinical testing. Allele origin: germline.
Comment: The p.L912S variant (also known as c.2735T>C), located in coding exon 15 of the APC gene, results from a T to C substitution at nucleotide position 2735. The leucine at codon 912 is replaced by serine, an amino acid with dissimilar properties. This amino acid position is conserved. In addition, in silico predictors for this gene do not accurately predict pathogenicity. Since supporting evidence is limited at this time, the clinical significance of this alteration remains unclear.

Labcorp Genetics (formerly Invitae), Labcorp
Classification: Uncertain significance for Familial adenomatous polyposis 1. Last evaluated: 2023-09-23. Review status: criteria provided, single submitter. Criteria: Invitae Variant Classification Sherloc (09022015). Collection method: clinical testing. Allele origin: germline.
Comment: This sequence change replaces leucine, which is neutral and non-polar, with serine, which is neutral and polar, at codon 912 of the APC protein (p.Leu912Ser). This variant is not present in population databases (gnomAD no frequency). This variant has not been reported in the literature in individuals affected with APC-related conditions. Advanced modeling of protein sequence and biophysical properties (such as structural, functional, and spatial information, amino acid conservation, physicochemical variation, residue mobility, and thermodynamic stability) performed at Invitae indicates that this missense variant is not expected to disrupt APC protein function. In summary, the available evidence is currently insufficient to determine the role of this variant in disease. Therefore, it has been classified as a Variant of Uncertain Significance.